The following is an entry in ClinVar:

NM_001365276.2(TNXB):c.8791+1G>C

Gene: TNXB (tenascin XB; minus strand). Cytogenetic location: 6p21.33.
Variant type: single nucleotide variant.
Coding change: c.8791+1G>C on transcript NM_001365276.2 (MANE Select); the canonical splice donor site of the intron after coding-DNA position 8791, G replaced by C.
Molecular consequence: splice donor variant.
Genome position (GRCh38, 1-based): chr6:32,053,387, C>G on the plus strand (G>C on the coding strand, the complement: TNXB is on the minus strand). VCF-style: chr6-32053387-C-G. GRCh37 (hg19) VCF-style: chr6-32021164-C-G.
Other names: c.8785+1G>C (NM_019105.8).
Identifiers: ClinVar variation 2565723 (VCV002565723.2), dbSNP rs1562798003, ClinGen allele CA363545960.
Genomic context (GRCh38, chr6:32,053,387, plus strand): 5'-TCACCAGAGAAAGGGAGACCCTCCCACAGGCCCCACTCTGGGGCTCCCATCGTACACTCA[C>G]CTGTCACCCCAATGACAGAGATGGGGCCCACGCGCTGGCCACCGTGGAAGCCGTACAGGT-3'

ClinVar aggregate classification (germline): Uncertain significance (1 of 4 stars; one submission).

Conditions:
Cardiovascular phenotype. Identifiers: MedGen CN230736.

Submission:

Ambry Genetics
Classification: Uncertain significance for Cardiovascular phenotype. Last evaluated: 2023-04-20. Review status: criteria provided, single submitter. Criteria: Ambry Variant Classification Scheme 2023. Collection method: clinical testing. Allele origin: germline.
Comment: The c.8785+1G>C intronic variant results from a G to C substitution one nucleotide after coding exon 24 of the TNXB gene. Alterations that disrupt the canonical splice site are expected to result in aberrant splicing. In silico splice site analysis predicts that this alteration will weaken the native splice donor site and will result in the creation or strengthening of a novel splice donor site. The resulting transcript is predicted to be in-frame and is not expected to trigger nonsense-mediated mRNAdecay; however, direct evidence is unavailable. The exact functional effect of the altered amino acid sequence is unknown. This nucleotide position is highly conserved in available vertebrate species. Since supporting evidence is limited at this time, the clinical significance of this alteration remains unclear.